The following is an entry in ClinVar:

NM_000518.5(HBB):c.328G>C (p.Val110Leu)

Genes: HBB (hemoglobin subunit beta; minus strand), LOC107133510 (origin of replication at HBB; plus strand), LOC110006319 (beta-globin gene 3' regulatory region; plus strand). Cytogenetic location: 11p15.4.
Variant type: single nucleotide variant.
Coding change: c.328G>C on transcript NM_000518.5 (MANE Select); coding-DNA position 328, G replaced by C.
Protein change: p.Val110Leu; replaces valine 110 with leucine.
Molecular consequence: missense variant.
Genome position (GRCh38, 1-based): chr11:5,225,714, C>G on the plus strand (G>C on the coding strand, the complement: HBB is on the minus strand). VCF-style: chr11-5225714-C-G. GRCh37 (hg19) VCF-style: chr11-5246944-C-G.
Other names: V109L; short protein forms V110L.
Identifiers: ClinVar variation 15230 (VCV000015230.3), dbSNP rs33969677, ClinGen allele CA124969.

ClinVar aggregate classification (germline): Pathogenic. Review status: criteria provided, single submitter (1 of 4 stars). 2 submissions from 2 submitters: Pathogenic (1). 1 of the submissions does not count toward it. Last evaluated 2019-09-04.

Conditions:
HEMOGLOBIN JOHNSTOWN.

Submissions (2):

Quest Diagnostics Nichols Institute San Juan Capistrano
Classification: Pathogenic. Last evaluated: 2019-09-04. Review status: criteria provided, single submitter. Criteria: Quest Diagnostics criteria. Collection method: clinical testing. Allele origin: unknown.
Comment: Found in at least one patient with expected phenotype for this gene. Predicted to have a tolerated effect on the protein. Assessment of experimental evidence suggests this variant results in abnormal protein function. Segregation with disease in affected and unaffected individuals from multiple families.

OMIM
Classification: other for HEMOGLOBIN JOHNSTOWN. Last evaluated: 2017-12-12. Review status: no assertion criteria provided. Collection method: literature only. Allele origin: germline. Not counted in ClinVar's aggregate classification.

Literature cited by the submitters: PubMed 2272838 (cited by Quest Diagnostics Nichols Institute San Juan Capistrano and OMIM); PubMed 11074558 (cited by Quest Diagnostics Nichols Institute San Juan Capistrano); PubMed 15658189 (cited by Quest Diagnostics Nichols Institute San Juan Capistrano and OMIM); PubMed 17952198 (cited by Quest Diagnostics Nichols Institute San Juan Capistrano); PubMed 22563907 (cited by Quest Diagnostics Nichols Institute San Juan Capistrano).